The following is an entry in ClinVar:

NM_001846.4(COL4A2):c.2954G>C (p.Gly985Ala)

Gene: COL4A2 (collagen type IV alpha 2 chain; plus strand). Cytogenetic location: 13q34.
Variant type: single nucleotide variant.
Coding change: c.2954G>C on transcript NM_001846.4 (MANE Select); coding-DNA position 2954, G replaced by C.
Protein change: p.Gly985Ala; replaces glycine 985 with alanine.
Molecular consequence: missense variant.
Genome position (GRCh38, 1-based): chr13:110,484,956, G>C. VCF-style: chr13-110484956-G-C. GRCh37 (hg19) VCF-style: chr13-111137303-G-C.
Other names: short protein forms G985A.
Identifiers: ClinVar variation 2060579 (VCV002060579.4), dbSNP rs769851485, ClinGen allele CA7050042.

ClinVar aggregate classification (germline): Uncertain significance (1 of 4 stars; one submission).

gnomAD v4.1: 1 of 1,613,340 alleles (0.000062%); highest among the groups gnomAD compares: Admixed American, 0.0017%; no homozygotes.

Submission:

Labcorp Genetics (formerly Invitae), Labcorp
Classification: Uncertain significance. Last evaluated: 2022-07-15. Review status: criteria provided, single submitter. Criteria: Invitae Variant Classification Sherloc (09022015). Collection method: clinical testing. Allele origin: germline.
Comment: This sequence change replaces glycine, which is neutral and non-polar, with alanine, which is neutral and non-polar, at codon 985 of the COL4A2 protein (p.Gly985Ala). This variant is present in population databases (rs769851485, gnomAD 0.003%). This variant has not been reported in the literature in individuals affected with COL4A2-related conditions. Advanced modeling of protein sequence and biophysical properties (such as structural, functional, and spatial information, amino acid conservation, physicochemical variation, residue mobility, and thermodynamic stability) performed at Invitae indicates that this missense variant is expected to disrupt COL4A2 protein function. In summary, the available evidence is currently insufficient to determine the role of this variant in disease. Therefore, it has been classified as a Variant of Uncertain Significance.